The following is an entry in ClinVar:

ClinVar aggregate classification (germline): Likely benign (0 of 4 stars; one submission).

Conditions:
ASPN-related disorder. Also called: ASPN-related condition.

Allele frequency attached by ClinVar (database versions not stated): gnomAD exomes 0.00011; ExAC 0.00041; ESP Exome Variant Server 0.00131; gnomAD 0.00145; TOPMed 0.00149; 1000 Genomes Project 30x 0.00250; 1000 Genomes Project 0.00300.
gnomAD v4.1: 392 of 1,613,880 alleles (0.024%); highest among the groups gnomAD compares: African/African-American, 0.45%; no homozygotes.

Submission:

PreventionGenetics, part of Exact Sciences
Classification: Likely benign for ASPN-related condition. Last evaluated: 2022-04-28. Review status: no assertion criteria provided. Collection method: clinical testing. Allele origin: germline.
Comment: This variant is classified as likely benign based on ACMG/AMP sequence variant interpretation guidelines (Richards et al. 2015 PMID: 25741868, with internal and published modifications).

NM_017680.6(ASPN):c.89T>C (p.Met30Thr)

Genes: ASPN (asporin; minus strand), CENPP (centromere protein P; plus strand). Cytogenetic location: 9q22.31.
Variant type: single nucleotide variant.
Coding change: c.89T>C on transcript NM_017680.6 (MANE Select); coding-DNA position 89, T replaced by C.
Protein change: p.Met30Thr; replaces methionine 30 with threonine.
Molecular consequence: missense variant. On other transcripts: intron variant (2).
Genome position (GRCh38, 1-based): chr9:92,474,809, A>G on the plus strand (T>C on the coding strand, the complement: ASPN is on the minus strand). VCF-style: chr9-92474809-A-G. GRCh37 (hg19) VCF-style: chr9-95237091-A-G.
Other names: c.89T>C, p.Met30Thr (NM_001193335.3); c.228+94950A>G (NM_001286969.1); c.564+94950A>G (NM_001012267.3); short protein forms M30T.
Identifiers: ClinVar variation 3048941 (VCV003048941.2), dbSNP rs144125864, ClinGen allele CA5124904.